The following is an entry in ClinVar:

ClinVar aggregate classification (germline): Uncertain significance. Review status: criteria provided, multiple submitters, no conflicts (2 of 4 stars). 2 submissions from 2 submitters: Uncertain significance (2). Last evaluated 2025-02-21.

Allele frequency attached by ClinVar (database versions not stated): gnomAD exomes 0.00001 and 0.00003; ExAC 0.00002; gnomAD 0.00002; TOPMed 0.00003.

Submissions (2):

Ambry Genetics
Classification: Uncertain significance. Last evaluated: 2025-02-21. Review status: criteria provided, single submitter. Criteria: Ambry Variant Classification Scheme 2023. Collection method: clinical testing. Allele origin: germline.

Labcorp Genetics (formerly Invitae), Labcorp
Classification: Uncertain significance. Last evaluated: 2022-09-05. Review status: criteria provided, single submitter. Criteria: Invitae Variant Classification Sherloc (09022015). Collection method: clinical testing. Allele origin: germline.
Comment: This sequence change replaces arginine, which is basic and polar, with cysteine, which is neutral and slightly polar, at codon 36 of the KIF20A protein (p.Arg36Cys). This variant is present in population databases (rs752408383, gnomAD 0.02%). This variant has not been reported in the literature in individuals affected with KIF20A-related conditions. ClinVar contains an entry for this variant (Variation ID: 1506460). Algorithms developed to predict the effect of missense changes on protein structure and function are either unavailable or do not agree on the potential impact of this missense change (SIFT: "Deleterious"; PolyPhen-2: "Benign"; Align-GVGD: "Class C0"). In summary, the available evidence is currently insufficient to determine the role of this variant in disease. Therefore, it has been classified as a Variant of Uncertain Significance.

NM_005733.3(KIF20A):c.106C>T (p.Arg36Cys)

Gene: KIF20A (kinesin family member 20A; plus strand). Cytogenetic location: 5q31.2.
Variant type: single nucleotide variant.
Coding change: c.106C>T on transcript NM_005733.3 (MANE Select); coding-DNA position 106, C replaced by T.
Protein change: p.Arg36Cys; replaces arginine 36 with cysteine.
Molecular consequence: missense variant.
Genome position (GRCh38, 1-based): chr5:138,179,786, C>T. VCF-style: chr5-138179786-C-T. GRCh37 (hg19) VCF-style: chr5-137515475-C-T.
Other names: c.106C>T (NM_005733.2); short protein forms R36C.
Identifiers: ClinVar variation 1506460 (VCV001506460.7), dbSNP rs752408383, ClinGen allele CA3426221.